The following is an entry in ClinVar:

NM_003036.4(SKI):c.2130G>A (p.Trp710Ter)

Gene: SKI (SKI proto-oncogene; plus strand). Cytogenetic location: 1p36.32.
Variant type: single nucleotide variant.
Coding change: c.2130G>A on transcript NM_003036.4 (MANE Select); coding-DNA position 2130, G replaced by A.
Protein change: p.Trp710Ter; replaces tryptophan 710 with a stop codon.
Molecular consequence: nonsense.
Genome position (GRCh38, 1-based): chr1:2,306,708, G>A. VCF-style: chr1-2306708-G-A. GRCh37 (hg19) VCF-style: chr1-2238147-G-A.
Other names: short protein forms W710*.
Identifiers: ClinVar variation 3363643 (VCV003363643.1).

ClinVar aggregate classification (germline): Uncertain significance (1 of 4 stars; one submission).

Submission:

GeneDx
Classification: Uncertain significance. Last evaluated: 2023-11-14. Review status: criteria provided, single submitter. Criteria: GeneDx Variant Classification Process June 2021. Collection method: clinical testing. Allele origin: germline. Affected: yes.
Comment: Not observed at significant frequency in large population cohorts (gnomAD); Has not been previously published as pathogenic or benign to our knowledge; Nonsense variant predicted to result in protein truncation as the last 19 amino acids are lost in a gene for which loss-of-function is not a known mechanism of disease